The following is an entry in ClinVar:

ClinVar aggregate classification (germline): Uncertain significance. Review status: criteria provided, multiple submitters, no conflicts (2 of 4 stars). 2 submissions from 2 submitters: Uncertain significance (2). Last evaluated 2024-09-25.

Conditions:
Early-infantile DEE. Also called: Early infantile epileptic encephalopathy; Ohtahara syndrome; Early infantile epileptic encephalopathy with suppression bursts. Identifiers: Orphanet 1934, MedGen C0393706, MONDO:0800491.

Allele frequency attached by ClinVar (database versions not stated): TOPMed below 0.00001; gnomAD exomes below 0.00001.
gnomAD v4.1: 2 of 1,604,282 alleles (0.00012%); highest among the groups gnomAD compares: Non-Finnish European, 0.00017%; no homozygotes.

Submissions (2):

Labcorp Genetics (formerly Invitae), Labcorp
Classification: Uncertain significance for Early-infantile DEE. Last evaluated: 2024-09-25. Review status: criteria provided, single submitter. Criteria: Invitae Variant Classification Sherloc (09022015). Collection method: clinical testing. Allele origin: germline.
Comment: This sequence change replaces serine, which is neutral and polar, with phenylalanine, which is neutral and non-polar, at codon 1132 of the SCN8A protein (p.Ser1132Phe). This variant is not present in population databases (gnomAD no frequency). This variant has not been reported in the literature in individuals affected with SCN8A-related conditions. ClinVar contains an entry for this variant (Variation ID: 2503395). Invitae Evidence Modeling of protein sequence and biophysical properties (such as structural, functional, and spatial information, amino acid conservation, physicochemical variation, residue mobility, and thermodynamic stability) indicates that this missense variant is expected to disrupt SCN8A protein function with a positive predictive value of 80%. In summary, the available evidence is currently insufficient to determine the role of this variant in disease. Therefore, it has been classified as a Variant of Uncertain Significance.

GeneDx
Classification: Uncertain significance. Last evaluated: 2023-05-19. Review status: criteria provided, single submitter. Criteria: GeneDx Variant Classification Process June 2021. Collection method: clinical testing. Allele origin: germline. Affected: yes.
Comment: Not observed at significant frequency in large population cohorts (gnomAD); Missense variants in this gene are often considered pathogenic (HGMD); In silico analysis supports that this missense variant has a deleterious effect on protein structure/function; Has not been previously published as pathogenic or benign to our knowledge; This substitution is predicted to be within the cytoplasmic loop between the second and third homologous domains; This variant is associated with the following publications: (PMID: 24077912)

NM_001330260.2(SCN8A):c.3395C>T (p.Ser1132Phe)

Gene: SCN8A (sodium voltage-gated channel alpha subunit 8; plus strand). Cytogenetic location: 12q13.13.
Variant type: single nucleotide variant.
Coding change: c.3395C>T on transcript NM_001330260.2 (MANE Select); coding-DNA position 3395, C replaced by T.
Protein change: p.Ser1132Phe; replaces serine 1132 with phenylalanine.
Molecular consequence: missense variant.
Genome position (GRCh38, 1-based): chr12:51,769,890, C>T. VCF-style: chr12-51769890-C-T. GRCh37 (hg19) VCF-style: chr12-52163674-C-T.
Other names: c.3395C>T, p.Ser1132Phe (NM_001177984.3, NM_001369788.1, NM_014191.4); short protein forms S1132F.
Identifiers: ClinVar variation 2503395 (VCV002503395.3), dbSNP rs1378023882, ClinGen allele CA384895101.